The following is an entry in ClinVar:

ClinVar aggregate classification (germline): Uncertain significance (1 of 4 stars; one submission).

gnomAD v4.1: 4 of 1,613,956 alleles (0.00025%); highest among the groups gnomAD compares: South Asian, 0.0044%; no homozygotes.

Submission:

Labcorp Genetics (formerly Invitae), Labcorp
Classification: Uncertain significance. Last evaluated: 2026-01-24. Review status: criteria provided, single submitter. Criteria: Invitae Variant Classification Sherloc (09022015). Collection method: clinical testing. Allele origin: germline.
Comment: This sequence change replaces valine, which is neutral and non-polar, with isoleucine, which is neutral and non-polar, at codon 520 of the DNA2 protein (p.Val520Ile). This variant is not present in population databases (gnomAD no frequency). This variant has not been reported in the literature in individuals affected with DNA2-related conditions. Invitae Evidence Modeling of protein sequence and biophysical properties (such as structural, functional, and spatial information, amino acid conservation, physicochemical variation, residue mobility, and thermodynamic stability) indicates that this missense variant is not expected to disrupt DNA2 protein function with a negative predictive value of 80%. In summary, the available evidence is currently insufficient to determine the role of this variant in disease. Therefore, it has been classified as a Variant of Uncertain Significance.

NM_001080449.3(DNA2):c.1558G>A (p.Val520Ile)

Gene: DNA2 (DNA replication helicase/nuclease 2; minus strand). Cytogenetic location: 10q21.3.
Variant type: single nucleotide variant.
Coding change: c.1558G>A on transcript NM_001080449.3 (MANE Select); coding-DNA position 1558, G replaced by A.
Protein change: p.Val520Ile; replaces valine 520 with isoleucine.
Molecular consequence: missense variant. On other transcripts: non-coding transcript variant (1).
Genome position (GRCh38, 1-based): chr10:68,437,099, C>T on the plus strand (G>A on the coding strand, the complement: DNA2 is on the minus strand). VCF-style: chr10-68437099-C-T. GRCh37 (hg19) VCF-style: chr10-70196856-C-T.
Other names: short protein forms V520I.
Identifiers: ClinVar variation 4759921 (VCV004759921.1).